The following is an entry in ClinVar:

ClinVar aggregate classification (germline): Uncertain significance (1 of 4 stars; one submission).

Conditions:
Hereditary spastic paraplegia 8 (SPG8). Also called: SPASTIC PARAPLEGIA 8, AUTOSOMAL DOMINANT. Identifiers: Orphanet 100989, MedGen C1863704, MONDO:0011339, OMIM 603563.
Ritscher-Schinzel syndrome. Also called: CRANIOCEREBELLOCARDIAC DYSPLASIA. Identifiers: Orphanet 7, MedGen C0796137, MONDO:0019078.

Allele frequency attached by ClinVar (database versions not stated): TOPMed 0.00002; gnomAD 0.00003.
gnomAD v4.1: 14 of 1,614,020 alleles (0.00087%); highest among the groups gnomAD compares: Non-Finnish European, 0.0012%; no homozygotes.

Submission:

Labcorp Genetics (formerly Invitae), Labcorp
Classification: Uncertain significance for Ritscher-Schinzel syndrome; Hereditary spastic paraplegia 8. Last evaluated: 2018-09-24. Review status: criteria provided, single submitter. Criteria: Invitae Variant Classification Sherloc (09022015). Collection method: clinical testing. Allele origin: germline.
Comment: In summary, the available evidence is currently insufficient to determine the role of this variant in disease. Therefore, it has been classified as a Variant of Uncertain Significance. Algorithms developed to predict the effect of sequence changes on RNA splicing suggest that this variant may create or strengthen a splice site, but this prediction has not been confirmed by published transcriptional studies. Algorithms developed to predict the effect of missense changes on protein structure and function (SIFT, PolyPhen-2, Align-GVGD) all suggest that this variant is likely to be tolerated, but these predictions have not been confirmed by published functional studies and their clinical significance is uncertain. This variant has not been reported in the literature in individuals with WASHC5-related disease. This variant is present in population databases (rs762522662, ExAC 0.003%). This sequence change replaces arginine with glutamine at codon 1090 of the WASHC5 protein (p.Arg1090Gln). The arginine residue is moderately conserved and there is a small physicochemical difference between arginine and glutamine.

NM_014846.4(WASHC5):c.3269G>A (p.Arg1090Gln)

Genes: WASHC5 (WASH complex subunit 5; minus strand), LOC126860498 (P300/CBP strongly-dependent group 1 enhancer GRCh37_chr8:126043836-126045035; plus strand). Cytogenetic location: 8q24.13.
Variant type: single nucleotide variant.
Coding change: c.3269G>A on transcript NM_014846.4 (MANE Select); coding-DNA position 3269, G replaced by A.
Protein change: p.Arg1090Gln; replaces arginine 1090 with glutamine.
Molecular consequence: missense variant.
Genome position (GRCh38, 1-based): chr8:125,032,307, C>T on the plus strand (G>A on the coding strand, the complement: WASHC5 is on the minus strand). VCF-style: chr8-125032307-C-T. GRCh37 (hg19) VCF-style: chr8-126044549-C-T.
Other names: c.2825G>A, p.Arg942Gln (NM_001330609.2); short protein forms R1090Q, R942Q.
Identifiers: ClinVar variation 659325 (VCV000659325.10), dbSNP rs762522662, ClinGen allele CA4873265.
Genomic context (GRCh38, chr8:125,032,307, plus strand): 5'-CACTGCTCCACCGTGGAGCAGATAAACTGGCCAATCAGCGCCAGGAACTGCTCGGTGTAC[C>T]GGGAATGGAACTGCTTCAGCAGAGTGAGCAGTCCCAGGACAAGTGGTGGCCAATCAACCG-3'
Protein context (NP_055661.3, residues 1080-1100): LLTLLKQFHS[Arg1090Gln]YTEQFLALIG